The following is an entry in ClinVar:

NM_015512.5(DNAH1):c.6433C>T (p.Pro2145Ser)

Gene: DNAH1 (dynein axonemal heavy chain 1; plus strand). Cytogenetic location: 3p21.1.
Variant type: single nucleotide variant.
Coding change: c.6433C>T on transcript NM_015512.5 (MANE Select); coding-DNA position 6433, C replaced by T.
Protein change: p.Pro2145Ser; replaces proline 2145 with serine.
Molecular consequence: missense variant.
Genome position (GRCh38, 1-based): chr3:52,370,733, C>T. VCF-style: chr3-52370733-C-T. GRCh37 (hg19) VCF-style: chr3-52404749-C-T.
Other names: short protein forms P2145S.
Identifiers: ClinVar variation 1001249 (VCV001001249.4), dbSNP rs1476385255, ClinGen allele CA353161177.
Genomic context (GRCh38, chr3:52,370,733, plus strand): 5'-TCCTACTGGGCCTCACAGCCTGCTTCTCCTCCTGGTTCCCGGCAGCTGACTCTGCTTTTC[C>T]CAGAAGAGGGGCTGGTGTTCGATTACAGGCTGGAGGACGCGGGCATCAGTGGCACCAACG-3'
Protein context (NP_056327.4, residues 2135-2155): MENEQLTLLF[Pro2145Ser]EEGLVFDYRL

ClinVar aggregate classification (germline): Uncertain significance (1 of 4 stars; one submission).

Conditions:
Spermatogenic failure 18. Identifiers: MedGen C4539783, MONDO:0054615, OMIM 617576.
Ciliary dyskinesia, primary, 37 (CILD37). Also called: CILIARY DYSKINESIA, PRIMARY, 37, WITH OR WITHOUT SITUS INVERSUS. Identifiers: MedGen C4539798, MONDO:0033204, OMIM 617577.

Allele frequency attached by ClinVar (database versions not stated): TOPMed below 0.00001; gnomAD 0.00001; gnomAD exomes 0.00001.
gnomAD v4.1: 15 of 1,603,828 alleles (0.00094%); highest among the groups gnomAD compares: Non-Finnish European, 0.0013%; no homozygotes.

Submission:

Labcorp Genetics (formerly Invitae), Labcorp
Classification: Uncertain significance for Ciliary dyskinesia, primary, 37; Spermatogenic failure 18. Last evaluated: 2022-05-14. Review status: criteria provided, single submitter. Criteria: Invitae Variant Classification Sherloc (09022015). Collection method: clinical testing. Allele origin: germline.
Comment: In summary, the available evidence is currently insufficient to determine the role of this variant in disease. Therefore, it has been classified as a Variant of Uncertain Significance. Algorithms developed to predict the effect of sequence changes on RNA splicing suggest that this variant may create or strengthen a splice site. Algorithms developed to predict the effect of missense changes on protein structure and function (SIFT, PolyPhen-2, Align-GVGD) all suggest that this variant is likely to be disruptive. ClinVar contains an entry for this variant (Variation ID: 1001249). This variant has not been reported in the literature in individuals affected with DNAH1-related conditions. The frequency data for this variant in the population databases is considered unreliable, as metrics indicate poor data quality at this position in the gnomAD database. This sequence change replaces proline, which is neutral and non-polar, with serine, which is neutral and polar, at codon 2145 of the DNAH1 protein (p.Pro2145Ser).